The following is an entry in ClinVar:

NM_032520.5(GNPTG):c.340G>A (p.Ala114Thr)

Gene: GNPTG (N-acetylglucosamine-1-phosphate transferase subunit gamma; plus strand). Cytogenetic location: 16p13.3.
Variant type: single nucleotide variant.
Coding change: c.340G>A on transcript NM_032520.5 (MANE Select); coding-DNA position 340, G replaced by A.
Protein change: p.Ala114Thr; replaces alanine 114 with threonine.
Molecular consequence: missense variant.
Genome position (GRCh38, 1-based): chr16:1,362,060, G>A. VCF-style: chr16-1362060-G-A. GRCh37 (hg19) VCF-style: chr16-1412061-G-A.
Other names: short protein forms A114T.
Identifiers: ClinVar variation 1992244 (VCV001992244.1), dbSNP rs367661016, ClinGen allele CA7807646.

ClinVar aggregate classification (germline): Uncertain significance (1 of 4 stars; one submission).

Allele frequency attached by ClinVar (database versions not stated): TOPMed below 0.00001; gnomAD 0.00001; gnomAD exomes 0.00001; ExAC 0.00002; ESP Exome Variant Server 0.00008.
gnomAD v4.1: 11 of 1,612,242 alleles (0.00068%); highest among the groups gnomAD compares: African/African-American, 0.0027%; no homozygotes.

Submission:

Labcorp Genetics (formerly Invitae), Labcorp
Classification: Uncertain significance. Last evaluated: 2022-10-17. Review status: criteria provided, single submitter. Criteria: Invitae Variant Classification Sherloc (09022015). Collection method: clinical testing. Allele origin: germline.
Comment: This sequence change replaces alanine, which is neutral and non-polar, with threonine, which is neutral and polar, at codon 114 of the GNPTG protein (p.Ala114Thr). The frequency data for this variant in the population databases is considered unreliable, as metrics indicate poor data quality at this position in the gnomAD database. This variant has not been reported in the literature in individuals affected with GNPTG-related conditions. Advanced modeling of protein sequence and biophysical properties (such as structural, functional, and spatial information, amino acid conservation, physicochemical variation, residue mobility, and thermodynamic stability) performed at Invitae indicates that this missense variant is not expected to disrupt GNPTG protein function. In summary, the available evidence is currently insufficient to determine the role of this variant in disease. Therefore, it has been classified as a Variant of Uncertain Significance.